The following is an entry in ClinVar:

ClinVar aggregate classification (germline): Uncertain significance (1 of 4 stars; one submission).

Conditions:
Bethlem myopathy 1A. Also called: MYOPATHY, BENIGN CONGENITAL, WITH CONTRACTURES; Bethlem myopathy 1; Bethlem Muscular Dystrophy. Identifiers: Orphanet 610, MedGen CN029274, MONDO:0024530, OMIM 158810.

Submission:

Labcorp Genetics (formerly Invitae), Labcorp
Classification: Uncertain significance for Bethlem myopathy 1A. Last evaluated: 2024-10-01. Review status: criteria provided, single submitter. Criteria: Invitae Variant Classification Sherloc (09022015). Collection method: clinical testing. Allele origin: germline.
Comment: This sequence change replaces tyrosine, which is neutral and polar, with phenylalanine, which is neutral and non-polar, at codon 542 of the COL6A1 protein (p.Tyr542Phe). This variant is not present in population databases (gnomAD no frequency). This variant has not been reported in the literature in individuals affected with COL6A1-related conditions. Invitae Evidence Modeling of protein sequence and biophysical properties (such as structural, functional, and spatial information, amino acid conservation, physicochemical variation, residue mobility, and thermodynamic stability) indicates that this missense variant is not expected to disrupt COL6A1 protein function with a negative predictive value of 95%. In summary, the available evidence is currently insufficient to determine the role of this variant in disease. Therefore, it has been classified as a Variant of Uncertain Significance.

NM_001848.3(COL6A1):c.1625A>T (p.Tyr542Phe)

Gene: COL6A1 (collagen type VI alpha 1 chain; plus strand). Cytogenetic location: 21q22.3.
Variant type: single nucleotide variant.
Coding change: c.1625A>T on transcript NM_001848.3 (MANE Select); coding-DNA position 1625, A replaced by T.
Protein change: p.Tyr542Phe; replaces tyrosine 542 with phenylalanine.
Molecular consequence: missense variant.
Genome position (GRCh38, 1-based): chr21:45,998,910, A>T. VCF-style: chr21-45998910-A-T. GRCh37 (hg19) VCF-style: chr21-47418824-A-T.
Other names: short protein forms Y542F.
Identifiers: ClinVar variation 3664739 (VCV003664739.2).